The following is an entry in ClinVar:

NM_000045.4(ARG1):c.926A>G (p.Glu309Gly)

Genes: ARG1 (arginase 1; plus strand), MED23 (mediator complex subunit 23; minus strand). Cytogenetic location: 6q23.2.
Variant type: single nucleotide variant.
Coding change: c.926A>G on transcript NM_000045.4 (MANE Select); coding-DNA position 926, A replaced by G.
Protein change: p.Glu309Gly; replaces glutamic acid 309 with glycine.
Molecular consequence: missense variant. On other transcripts: non-coding transcript variant (1), intron variant (2).
Genome position (GRCh38, 1-based): chr6:131,583,865, A>G. VCF-style: chr6-131583865-A-G. GRCh37 (hg19) VCF-style: chr6-131905005-A-G.
Other names: c.950A>G, p.Glu317Gly (NM_001244438.2); c.671A>G, p.Glu224Gly (NM_001369020.1); c.4077+3844T>C (NM_001270521.2); c.4095+3844T>C (NM_015979.4); short protein forms E224G, E309G, E317G.
Identifiers: ClinVar variation 1047072 (VCV001047072.9), dbSNP rs775225648, ClinGen allele CA3999412.
Genomic context (GRCh38, chr6:131,583,865, plus strand): 5'-TAACTCGAACAGTGAACACAGCAGTTGCAATAACCTTGGCTTGTTTCGGACTTGCTCGGG[A>G]GGGTAATCACAAGCCTATTGACTACCTTAACCCACCTAAGTAAATGTGGAAACATCCGAT-3'
Protein context (NP_000036.2, residues 299-319): ITLACFGLAR[Glu309Gly]GNHKPIDYLN

ClinVar aggregate classification (germline): Uncertain significance. Review status: criteria provided, multiple submitters, no conflicts (2 of 4 stars). 3 submissions from 3 submitters: Uncertain significance (3). Last evaluated 2025-07-18.

Conditions:
Inborn genetic diseases. Identifiers: MedGen C0950123, MeSH D030342.
Arginase deficiency. Also called: ARGININEMIA; ARG1 DEFICIENCY; Arginase 1 Deficiency. Identifiers: Orphanet 90, MedGen C0268548, MONDO:0008814, OMIM 207800.

Allele frequency attached by ClinVar (database versions not stated): gnomAD 0.00001; gnomAD exomes 0.00001 and 0.00002; TOPMed 0.00001; ExAC 0.00002.
gnomAD v4.1: 8 of 1,614,012 alleles (0.0005%); highest among the groups gnomAD compares: Admixed American, 0.012%; no homozygotes.

Submissions (3):

GeneDx
Classification: Uncertain significance. Last evaluated: 2025-07-18. Review status: criteria provided, single submitter. Criteria: GeneDx Variant Classification Process June 2021. Collection method: clinical testing. Allele origin: germline. Affected: yes.
Comment: Reported previously in a patient in the literature; however, detailed clinical information and segregation information was not provided (PMID: 29726057); Not observed at significant frequency in large population cohorts (gnomAD); In silico analysis supports that this missense variant has a deleterious effect on protein structure/function; This variant is associated with the following publications: (PMID: 29726057)

Labcorp Genetics (formerly Invitae), Labcorp
Classification: Uncertain significance for Arginase deficiency. Last evaluated: 2022-08-23. Review status: criteria provided, single submitter. Criteria: Invitae Variant Classification Sherloc (09022015). Collection method: clinical testing. Allele origin: germline.
Comment: This sequence change replaces glutamic acid, which is acidic and polar, with glycine, which is neutral and non-polar, at codon 309 of the ARG1 protein (p.Glu309Gly). This variant is present in population databases (rs775225648, gnomAD 0.01%). This variant has not been reported in the literature in individuals affected with ARG1-related conditions. ClinVar contains an entry for this variant (Variation ID: 1047072). Algorithms developed to predict the effect of missense changes on protein structure and function (SIFT, PolyPhen-2, Align-GVGD) all suggest that this variant is likely to be tolerated. In summary, the available evidence is currently insufficient to determine the role of this variant in disease. Therefore, it has been classified as a Variant of Uncertain Significance.

Ambry Genetics
Classification: Uncertain significance for Inborn genetic diseases. Last evaluated: 2021-08-18. Review status: criteria provided, single submitter. Criteria: Ambry Variant Classification Scheme 2023. Collection method: clinical testing. Allele origin: germline.